The following is an entry in ClinVar:

ClinVar aggregate classification (germline): Likely benign. Review status: criteria provided, multiple submitters, no conflicts (2 of 4 stars). 2 submissions from 2 submitters: Likely benign (2). Last evaluated 2026-02-01.

Allele frequency attached by ClinVar (database versions not stated): ESP Exome Variant Server 0.00104; TOPMed 0.00115; gnomAD 0.00118; gnomAD exomes 0.00133; ExAC 0.00187; 1000 Genomes Project 0.00280; 1000 Genomes Project 30x 0.00281.
gnomAD v4.1: 2,142 of 1,614,052 alleles (0.13%); highest among the groups gnomAD compares: Middle Eastern, 1%; 11 homozygotes.

Submissions (2):

CeGaT Center for Human Genetics Tuebingen
Classification: Likely benign. Last evaluated: 2026-02-01. Review status: criteria provided, single submitter. Criteria: CeGaT Center For Human Genetics Tuebingen Variant Classification Criteria Version 2. Collection method: clinical testing. Allele origin: germline. Affected: yes. Observed: 5 variant alleles.
Comment: TRIM71: BP4, BP7

Blueprint Genetics
Classification: Likely benign. Last evaluated: 2024-11-22. Review status: criteria provided, single submitter. Criteria: ACMG Guidelines, 2015. Collection method: clinical testing. Allele origin: germline.

NM_001039111.3(TRIM71):c.2145G>A (p.Leu715=)

Gene: TRIM71 (tripartite motif containing 71; plus strand). Cytogenetic location: 3p22.3.
Variant type: single nucleotide variant.
Coding change: c.2145G>A on transcript NM_001039111.3 (MANE Select); coding-DNA position 2145, G replaced by A.
Protein change: p.Leu715=; no amino-acid change (leucine 715 retained).
Molecular consequence: synonymous variant.
Genome position (GRCh38, 1-based): chr3:32,891,349, G>A. VCF-style: chr3-32891349-G-A. GRCh37 (hg19) VCF-style: chr3-32932841-G-A.
Identifiers: ClinVar variation 2653647 (VCV002653647.25), dbSNP rs200564131, ClinGen allele CA2298954.